The following is an entry in ClinVar:

NM_001385641.1(SAMD11):c.953G>A (p.Gly318Asp)

Gene: SAMD11 (sterile alpha motif domain containing 11; plus strand). Cytogenetic location: 1p36.33.
Variant type: single nucleotide variant.
Coding change: c.953G>A on transcript NM_001385641.1 (MANE Select); coding-DNA position 953, G replaced by A.
Protein change: p.Gly318Asp; replaces glycine 318 with aspartic acid.
Molecular consequence: missense variant.
Genome position (GRCh38, 1-based): chr1:935,882, G>A. VCF-style: chr1-935882-G-A. GRCh37 (hg19) VCF-style: chr1-871262-G-A.
Other names: c.953G>A, p.Gly318Asp (NM_001385640.1); c.416G>A, p.Gly139Asp (NM_152486.4); short protein forms G139D, G318D.
Identifiers: ClinVar variation 1025423 (VCV001025423.10), dbSNP rs1276148894, ClinGen allele CA337797840.

ClinVar aggregate classification (germline): Uncertain significance (1 of 4 stars; one submission).

Allele frequency attached by ClinVar (database versions not stated): gnomAD exomes below 0.00001.
gnomAD v4.1: 4 of 1,612,470 alleles (0.00025%); highest among the groups gnomAD compares: South Asian, 0.0033%; no homozygotes.

Submission:

Labcorp Genetics (formerly Invitae), Labcorp
Classification: Uncertain significance. Last evaluated: 2022-03-08. Review status: criteria provided, single submitter. Criteria: Invitae Variant Classification Sherloc (09022015). Collection method: clinical testing. Allele origin: germline.
Comment: In summary, the available evidence is currently insufficient to determine the role of this variant in disease. Therefore, it has been classified as a Variant of Uncertain Significance. Algorithms developed to predict the effect of missense changes on protein structure and function are either unavailable or do not agree on the potential impact of this missense change (SIFT: "Deleterious"; PolyPhen-2: "Probably Damaging"; Align-GVGD: "Class C0"). ClinVar contains an entry for this variant (Variation ID: 1025423). This variant has not been reported in the literature in individuals affected with SAMD11-related conditions. This variant is present in population databases (no rsID available, gnomAD 0.003%). This sequence change replaces glycine, which is neutral and non-polar, with aspartic acid, which is acidic and polar, at codon 139 of the SAMD11 protein (p.Gly139Asp).